The following is an entry in ClinVar:

NM_001042492.3(NF1):c.448T>C (p.Phe150Leu)

Gene: NF1 (neurofibromin 1; plus strand). Cytogenetic location: 17q11.2.
Variant type: single nucleotide variant.
Coding change: c.448T>C on transcript NM_001042492.3 (MANE Select); coding-DNA position 448, T replaced by C.
Protein change: p.Phe150Leu; replaces phenylalanine 150 with leucine.
Molecular consequence: missense variant.
Genome position (GRCh38, 1-based): chr17:31,163,345, T>C. VCF-style: chr17-31163345-T-C. GRCh37 (hg19) VCF-style: chr17-29490363-T-C.
Other names: c.448T>C, p.Phe150Leu (NM_001128147.3, NM_000267.4); short protein forms F150L.
Identifiers: ClinVar variation 4800701 (VCV004800701.1).

ClinVar aggregate classification (germline): Uncertain significance (1 of 4 stars; one submission).

Conditions:
Neurofibromatosis, type 1 (NF1). Also called: VON RECKLINGHAUSEN DISEASE; Neurofibromatosis, type I; NEUROFIBROMATOSIS, TYPE I, SOMATIC; Peripheral type neurofibromatosis. Identifiers: Orphanet 636, MedGen C0027831, MONDO:0018975, OMIM 162200. Disease mechanism: loss of function.

gnomAD v4.1: 1 of 1,614,166 alleles (0.000062%); highest among the groups gnomAD compares: Non-Finnish European, 0.000085%; no homozygotes.

Submission:

Labcorp Genetics (formerly Invitae), Labcorp
Classification: Uncertain significance for Neurofibromatosis, type 1. Last evaluated: 2025-02-18. Review status: criteria provided, single submitter. Criteria: Invitae Variant Classification Sherloc (09022015). Collection method: clinical testing. Allele origin: germline.
Comment: This sequence change replaces phenylalanine, which is neutral and non-polar, with leucine, which is neutral and non-polar, at codon 150 of the NF1 protein (p.Phe150Leu). This variant is not present in population databases (gnomAD no frequency). This variant has not been reported in the literature in individuals affected with NF1-related conditions. Invitae Evidence Modeling of protein sequence and biophysical properties (such as structural, functional, and spatial information, amino acid conservation, physicochemical variation, residue mobility, and thermodynamic stability) indicates that this missense variant is expected to disrupt NF1 protein function with a positive predictive value of 95%. In summary, the available evidence is currently insufficient to determine the role of this variant in disease. Therefore, it has been classified as a Variant of Uncertain Significance.